The following is an entry in ClinVar:

ClinVar aggregate classification (germline): Likely benign. Review status: criteria provided, multiple submitters, no conflicts (2 of 4 stars). 2 submissions from 2 submitters: Likely benign (2). Last evaluated 2025-12-01.

Submissions (2):

CeGaT Center for Human Genetics Tuebingen
Classification: Likely benign. Last evaluated: 2025-12-01. Review status: criteria provided, single submitter. Criteria: CeGaT Center For Human Genetics Tuebingen Variant Classification Criteria Version 2. Collection method: clinical testing. Allele origin: germline. Affected: yes. Observed: 1 variant allele.
Comment: CAMK2B: BP4

Blueprint Genetics
Classification: Likely benign. Last evaluated: 2024-10-16. Review status: criteria provided, single submitter. Criteria: ACMG Guidelines, 2015. Collection method: clinical testing. Allele origin: germline.

NM_001220.5(CAMK2B):c.1340-4C>T

Gene: CAMK2B (calcium/calmodulin dependent protein kinase II beta; minus strand). Cytogenetic location: 7p13.
Variant type: single nucleotide variant.
Coding change: c.1340-4C>T on transcript NM_001220.5 (MANE Select); 4 bases into the intron before coding-DNA position 1340, C replaced by T.
Molecular consequence: intron variant.
Genome position (GRCh38, 1-based): chr7:44,228,928, G>A on the plus strand (C>T on the coding strand, the complement: CAMK2B is on the minus strand). VCF-style: chr7-44228928-G-A. GRCh37 (hg19) VCF-style: chr7-44268527-G-A.
Other names: c.947-8027C>T (NM_172084.3); c.1150+2078C>T (NM_172080.3); c.1036+2078C>T (NM_172083.3); c.1108+2078C>T (NM_172081.3); c.1153+2078C>T (NM_172079.3, NM_172082.3); c.1225+2078C>T (NM_001293170.2, NM_172078.3).
Identifiers: ClinVar variation 4681738 (VCV004681738.6).